The following is an entry in ClinVar:

NM_013245.3(VPS4A):c.769+3G>A

Gene: VPS4A (vacuolar protein sorting 4 homolog A; plus strand). Cytogenetic location: 16q22.1.
Variant type: single nucleotide variant.
Coding change: c.769+3G>A on transcript NM_013245.3 (MANE Select); 3 bases into the intron after coding-DNA position 769, G replaced by A.
Molecular consequence: intron variant.
Genome position (GRCh38, 1-based): chr16:69,320,292, G>A. VCF-style: chr16-69320292-G-A. GRCh37 (hg19) VCF-style: chr16-69354195-G-A.
Identifiers: ClinVar variation 2637700 (VCV002637700.1), dbSNP rs1268577293, ClinGen allele CA623575311.
Genomic context (GRCh38, chr16:69,320,292, plus strand): 5'-GAAAATGAGAGTGAGGCCGCCCGGAGGATCAAAACGGAGTTCTTGGTCCAGATGCAGGGT[G>A]TGTGCCGGGCCCAGGGCCCCCTTGGTTCTTGTTGCACCTGAAGCCAACCCTGGGCTTTAT-3'

ClinVar aggregate classification (germline): Uncertain significance (1 of 4 stars; one submission).

Allele frequency attached by ClinVar (database versions not stated): gnomAD 0.00001; gnomAD exomes 0.00001; TOPMed 0.00001.
gnomAD v4.1: 19 of 1,612,852 alleles (0.0012%); highest among the groups gnomAD compares: Non-Finnish European, 0.0015%; no homozygotes.

Submission:

Women's Health and Genetics/Laboratory Corporation of America, LabCorp
Classification: Uncertain significance. Last evaluated: 2023-10-12. Review status: criteria provided, single submitter. Criteria: LabCorp Variant Classification Summary - May 2015. Collection method: clinical testing. Allele origin: germline.
Comment: Variant summary: VPS4A c.769+3G>A alters a non-conserved nucleotide located close to a canonical splice site and therefore could affect mRNA splicing, leading to a significantly altered protein sequence. Consensus agreement among computation tools predict no significant impact on normal splicing. However, these predictions have yet to be confirmed by functional studies. The variant allele was found at a frequency of 4e-06 in 248322 control chromosomes. The available data on variant occurrences in the general population are insufficient to allow any conclusion about variant significance. To our knowledge, no occurrence of c.769+3G>A in individuals affected with Cerebellar Hypoplasia-Intellectual Disability-Congenital Microcephaly-Dystonia Retardation Syndrome and no experimental evidence demonstrating its impact on protein function have been reported. No submitters have cited clinical-significance assessments for this variant to ClinVar after 2014. Based on the evidence outlined above, the variant was classified as uncertain significance.